The following is an entry in ClinVar:

NM_001276270.2(MBD4):c.1A>G (p.Met1Val)

Genes: MBD4 (methyl-CpG binding domain 4, DNA glycosylase; minus strand), LOC129937550 (ATAC-STARR-seq lymphoblastoid active region 20512; plus strand). Cytogenetic location: 3q21.3.
Variant type: single nucleotide variant.
Coding change: c.1A>G on transcript NM_001276270.2 (MANE Select); coding-DNA position 1, A replaced by G.
Protein change: p.Met1Val; changes the start codon (methionine 1).
Molecular consequence: missense variant, initiator codon variant.
Genome position (GRCh38, 1-based): chr3:129,439,833, T>C on the plus strand (A>G on the coding strand, the complement: MBD4 is on the minus strand). VCF-style: chr3-129439833-T-C. GRCh37 (hg19) VCF-style: chr3-129158676-T-C.
Other names: c.1A>G, p.Met1Val (NM_001276271.2, NM_001276272.2, NM_001276273.2 and 1 more transcripts); c.1A>G (NM_003925.2); short protein forms M1V.
Identifiers: ClinVar variation 3699934 (VCV003699934.4).

ClinVar aggregate classification (germline): Conflicting classifications of pathogenicity. Review status: criteria provided, conflicting classifications (1 of 4 stars). 3 submissions from 3 submitters: Likely pathogenic (1); Uncertain significance (2). Last evaluated 2025-11-24.

Conditions:
Inborn genetic diseases. Identifiers: MedGen C0950123, MeSH D030342.
MBD4-related disorder. Also called: MBD4-related condition.

Submissions (3):

PreventionGenetics, part of Exact Sciences
Classification: Uncertain significance for MBD4-related condition. Last evaluated: 2025-11-24. Review status: criteria provided, single submitter. Criteria: ACMG Guidelines, 2015. Collection method: clinical testing. Allele origin: germline.
Comment: The MBD4 c.1A>G variant is predicted to disrupt the translation initiation site (Start Loss). To our knowledge, this variant has not been reported in the literature or in a large population database (gnomAD), indicating this variant is rare. This variant has conflicting interpretations of pathogenicity in ClinVar of likely pathogenic and uncertain significance (Variation ID: 3699934). At this time, the clinical significance of this variant is uncertain due to the absence of conclusive functional and genetic evidence.

Ambry Genetics
Classification: Likely pathogenic for Inborn genetic diseases. Last evaluated: 2025-02-20. Review status: criteria provided, single submitter. Criteria: Ambry Variant Classification Scheme 2023. Collection method: clinical testing. Allele origin: germline.
Comment: The p.M1? variant (also known as c.1A>G) is located in coding exon 1 of the MBD4 gene and results from an A to G substitution at nucleotide position 1. This alters the methionine residue at the initiation codon (ATG). This variant is considered to be rare based on population cohorts in the Genome Aggregation Database (gnomAD). Sequence variations that modify the initiation codon are expected to result in either loss of translation initiation, N-terminal truncation, or cause a shift in the mRNA reading frame. Based on the majority of available evidence to date, this variant is likely to be pathogenic.

Labcorp Genetics (formerly Invitae), Labcorp
Classification: Uncertain significance. Last evaluated: 2024-07-11. Review status: criteria provided, single submitter. Criteria: Invitae Variant Classification Sherloc (09022015). Collection method: clinical testing. Allele origin: germline.
Comment: This sequence change affects the initiator methionine of the MBD4 mRNA. The next in-frame methionine is located at codon 41. This variant is not present in population databases (gnomAD no frequency). This variant has not been reported in the literature in individuals affected with MBD4-related conditions. In summary, the available evidence is currently insufficient to determine the role of this variant in disease. Therefore, it has been classified as a Variant of Uncertain Significance.